The following is an entry in ClinVar:

NM_005188.4(CBL):c.1876T>G (p.Ser626Ala)

Gene: CBL (Cbl proto-oncogene; plus strand). Cytogenetic location: 11q23.3.
Variant type: single nucleotide variant.
Coding change: c.1876T>G on transcript NM_005188.4 (MANE Select); coding-DNA position 1876, T replaced by G.
Protein change: p.Ser626Ala; replaces serine 626 with alanine.
Molecular consequence: missense variant.
Genome position (GRCh38, 1-based): chr11:119,285,501, T>G. VCF-style: chr11-119285501-T-G. GRCh37 (hg19) VCF-style: chr11-119156211-T-G.
Other names: short protein forms S626A.
Identifiers: ClinVar variation 5033763 (VCV005033763.1).
Genomic context (GRCh38, chr11:119,285,501, plus strand): 5'-AGTGATCCCTGGACAGGAAGAGAATTAACCAACCGGCACTCACTTCCATTTTCATTGCCC[T>G]CACAAATGGAGCCCAGACCAGATGTGCCTAGGCTCGGAAGCACGTTCAGTCTGGATACCT-3'
Protein context (NP_005179.2, residues 616-636): NRHSLPFSLP[Ser626Ala]QMEPRPDVPR

ClinVar aggregate classification (germline): Uncertain significance (1 of 4 stars; one submission).

Conditions:
Cardiovascular phenotype. Identifiers: MedGen CN230736.

Submission:

Ambry Genetics
Classification: Uncertain significance for Cardiovascular phenotype. Last evaluated: 2026-08-05. Review status: criteria provided, single submitter. Criteria: Ambry Variant Classification Scheme 2023. Collection method: clinical testing. Allele origin: germline.
Comment: The p.S626A variant (also known as c.1876T>G), located in coding exon 11 of the CBL gene, results from a T to G substitution at nucleotide position 1876. The serine at codon 626 is replaced by alanine, an amino acid with similar properties. This amino acid position is conserved. In addition, the in silico prediction for this alteration is inconclusive. Based on the available evidence, the clinical significance of this variant remains unclear.